The following is an entry in ClinVar:

NM_004006.3(DMD):c.4777G>T (p.Glu1593Ter)

Gene: DMD (dystrophin; minus strand). Cytogenetic location: Xp21.1.
Variant type: single nucleotide variant.
Coding change: c.4777G>T on transcript NM_004006.3 (MANE Select); coding-DNA position 4777, G replaced by T.
Protein change: p.Glu1593Ter; replaces glutamic acid 1593 with a stop codon.
Molecular consequence: nonsense.
Genome position (GRCh38, 1-based): chrX:32,380,578, C>A on the plus strand (G>T on the coding strand, the complement: DMD is on the minus strand). VCF-style: chrX-32380578-C-A. GRCh37 (hg19) VCF-style: chrX-32398695-C-A.
Other names: c.4753G>T, p.Glu1585Ter (NM_000109.4); c.4765G>T, p.Glu1589Ter (NM_004009.3); c.4408G>T, p.Glu1470Ter (NM_004010.3); c.754G>T, p.Glu252Ter (NM_004011.4); c.745G>T, p.Glu249Ter (NM_004012.4); short protein forms E1470*, E1585*, E1589*, E1593*, E249*, E252*.
Identifiers: ClinVar variation 1069896 (VCV001069896.8), dbSNP rs2097920711, ClinGen allele CA412661219.

ClinVar aggregate classification (germline): Pathogenic (1 of 4 stars; one submission).

Conditions:
Duchenne muscular dystrophy (DMD). Also called: MUSCULAR DYSTROPHY, PSEUDOHYPERTROPHIC PROGRESSIVE, DUCHENNE TYPE; Duchenne Muscular Dystrophy (DMD). Identifiers: Orphanet 98896, MedGen C0013264, MONDO:0010679, OMIM 310200.

Submission:

Labcorp Genetics (formerly Invitae), Labcorp
Classification: Pathogenic for Duchenne muscular dystrophy. Last evaluated: 2023-03-16. Review status: criteria provided, single submitter. Criteria: Invitae Variant Classification Sherloc (09022015). Collection method: clinical testing. Allele origin: germline.
Comment: This sequence change creates a premature translational stop signal (p.Glu1593*) in the DMD gene. It is expected to result in an absent or disrupted protein product. Loss-of-function variants in DMD are known to be pathogenic (PMID: 16770791, 25007885). For these reasons, this variant has been classified as Pathogenic. ClinVar contains an entry for this variant (Variation ID: 1069896). This premature translational stop signal has been observed in individual(s) with Duchenne muscular dystrophy (PMID: 15351422). This variant is not present in population databases (gnomAD no frequency).

Literature cited by the submitters: PubMed 16770791; PubMed 25007885; PubMed 15351422.